The following is an entry in ClinVar:

ClinVar aggregate classification (germline): Uncertain significance (1 of 4 stars; one submission).

Conditions:
ALG8 congenital disorder of glycosylation. Also called: CONGENITAL DISORDER OF GLYCOSYLATION, TYPE Ih; CDG Ih; ALG8-CDG. Identifiers: Orphanet 79325, MedGen C2931002, MONDO:0011969, OMIM 608104.

Submission:

Labcorp Genetics (formerly Invitae), Labcorp
Classification: Uncertain significance for ALG8 congenital disorder of glycosylation. Last evaluated: 2025-09-24. Review status: criteria provided, single submitter. Criteria: Invitae Variant Classification Sherloc (09022015). Collection method: clinical testing. Allele origin: germline.
Comment: This sequence change replaces isoleucine, which is neutral and non-polar, with valine, which is neutral and non-polar, at codon 111 of the ALG8 protein (p.Ile111Val). This variant is not present in population databases (gnomAD no frequency). This variant has not been reported in the literature in individuals affected with ALG8-related conditions. Invitae Evidence Modeling of protein sequence and biophysical properties (such as structural, functional, and spatial information, amino acid conservation, physicochemical variation, residue mobility, and thermodynamic stability) indicates that this missense variant is not expected to disrupt ALG8 protein function with a negative predictive value of 80%. In summary, the available evidence is currently insufficient to determine the role of this variant in disease. Therefore, it has been classified as a Variant of Uncertain Significance.

NM_024079.5(ALG8):c.331A>G (p.Ile111Val)

Gene: ALG8 (ALG8 alpha-1,3-glucosyltransferase; minus strand). Cytogenetic location: 11q14.1.
Variant type: single nucleotide variant.
Coding change: c.331A>G on transcript NM_024079.5 (MANE Select); coding-DNA position 331, A replaced by G.
Protein change: p.Ile111Val; replaces isoleucine 111 with valine.
Molecular consequence: missense variant. On other transcripts: 5 prime UTR variant (2), non-coding transcript variant (2).
Genome position (GRCh38, 1-based): chr11:78,124,058, T>C on the plus strand (A>G on the coding strand, the complement: ALG8 is on the minus strand). VCF-style: chr11-78124058-T-C. GRCh37 (hg19) VCF-style: chr11-77835104-T-C.
Other names: c.331A>G, p.Ile111Val (NM_001007027.3, NM_001425220.1, NM_001425221.1 and 14 more transcripts); c.334A>G, p.Ile112Val (NM_001425219.1); c.178A>G, p.Ile60Val (NM_001425226.1, NM_001425235.1, NM_001425236.1); c.130A>G, p.Ile44Val (NM_001425231.1); c.67A>G, p.Ile23Val (NM_001425234.1, NM_001425239.1); c.-182A>G (NM_001425241.1); c.-220A>G (NM_001425242.1); short protein forms I111V, I112V, I23V, I44V, I60V.
Identifiers: ClinVar variation 4804421 (VCV004804421.1).